The following is an entry in ClinVar:

NM_139076.3(ABRAXAS1):c.915T>A (p.His305Gln)

Gene: ABRAXAS1 (abraxas 1, BRCA1 A complex subunit; minus strand). Cytogenetic location: 4q21.23.
Variant type: single nucleotide variant.
Coding change: c.915T>A on transcript NM_139076.3 (MANE Select); coding-DNA position 915, T replaced by A.
Protein change: p.His305Gln; replaces histidine 305 with glutamine.
Molecular consequence: missense variant.
Genome position (GRCh38, 1-based): chr4:83,462,784, A>T on the plus strand (T>A on the coding strand, the complement: ABRAXAS1 is on the minus strand). VCF-style: chr4-83462784-A-T. GRCh37 (hg19) VCF-style: chr4-84383937-A-T.
Other names: p.H305Q:CAT>CAA; c.588T>A, p.His196Gln (NM_001345962.2); short protein forms H305Q, H196Q.
Identifiers: ClinVar variation 128229 (VCV000128229.12), dbSNP rs587780269, ClinGen allele CA288660.
Genomic context (GRCh38, chr4:83,462,784, plus strand): 5'-TAAGGTCAGATTGTCTACTACATCGAGATGGTGGTTGTAGTTACAGCTACTTTTAGAAAC[A>T]TGTCTATTTTTTAAAGACATAACACATGAATGAAGAAATTCAGAATTTGGAAAAAAGGTC-3'
Protein context (NP_620775.2, residues 295-315): HSCVMSLKNR[His305Gln]VSKSSCNYNH

ClinVar aggregate classification (germline): Uncertain significance. Review status: criteria provided, multiple submitters, no conflicts (2 of 4 stars). 3 submissions from 3 submitters: Uncertain significance (3). Last evaluated 2025-09-10.

gnomAD v4.1: 4 of 1,614,066 alleles (0.00025%); highest among the groups gnomAD compares: Non-Finnish European, 0.00034%; no homozygotes.

Submissions (3):

Ambry Genetics
Classification: Uncertain significance. Last evaluated: 2025-09-10. Review status: criteria provided, single submitter. Criteria: Ambry Variant Classification Scheme 2023. Collection method: clinical testing. Allele origin: germline.
Comment: The p.H305Q variant (also known as c.915T>A), located in coding exon 9 of the FAM175A gene, results from a T to A substitution at nucleotide position 915. The histidine at codon 305 is replaced by glutamine, an amino acid with highly similar properties. This amino acid position is conserved. In addition, this alteration is predicted to be tolerated by in silico analysis. Based on the available evidence, the clinical significance of this variant remains unclear.

Labcorp Genetics (formerly Invitae), Labcorp
Classification: Uncertain significance. Last evaluated: 2016-04-06. Review status: criteria provided, single submitter. Criteria: Invitae Variant Classification Sherloc (09022015). Collection method: clinical testing. Allele origin: germline.
Comment: In summary, this variant is a rare missense change that is not predicted to affect protein function. There is no indication that it causes disease, but the available evidence is currently insufficient to prove that conclusively. Therefore, it has been classified as a Variant of Uncertain Significance. This variant is not present in population databases (ExAC no frequency) and has not been reported in the literature in individuals with a FAM175A-related disease. ClinVar contains an entry for this variant (Variation ID: 128229). Algorithms developed to predict the effect of missense changes on protein structure and function (SIFT, PolyPhen-2, Align-GVGD) all suggest that this variant is likely to be tolerated, but these predictions have not been confirmed by published functional studies. This sequence change replaces histidine with glutamine at codon 305 of the FAM175A protein (p.His305Gln). The histidine residue is moderately conserved and there is a small physicochemical difference between histidine and glutamine.

GeneDx
Classification: Uncertain significance. Last evaluated: 2013-11-05. Review status: criteria provided, single submitter. Criteria: GeneDx Variant Classification (06012015). Collection method: clinical testing. Allele origin: germline. Affected: yes.
Comment: FAM175A has been only recently described in association with cancer predisposition and the risks are not well understood. This variant is denoted FAM175A c.915T>A at the cDNA level, p.His305Gln (H305Q) at the protein level, and results in the change of a Histidine to a Glutamine (CAT>CAA). This variant has not, to our knowledge, been published in the literature as pathogenic or benign. FAM175A His305Gln was not observed in approximately 6,500 individuals of European and African American ancestry in the NHLBI Exome Sequencing Project, indicating it is not a common benign variant in these populations. This variant is a semi-conservative substitution of a positive polar amino acid for a neutral polar one, altering a position that is only moderately conserved throughout evolution and is not located in a known functional domain (UniProt). In silico analyses predict this variant to have a benign effect on protein structure and function. On a molecular level, the impact of this missense variant on protein structure and function is not known and thus we consider this to be a variant of uncertain significance. Furthermore, based on the currently available information, cancer risks associated with this variant, and the FAM175A gene, remain unclear.